The following is an entry in ClinVar:

NM_021971.4(GMPPB):c.376C>G (p.His126Asp)

Gene: GMPPB (GDP-mannose pyrophosphorylase B; minus strand). Cytogenetic location: 3p21.31.
Variant type: single nucleotide variant.
Coding change: c.376C>G on transcript NM_021971.4 (MANE Select); coding-DNA position 376, C replaced by G.
Protein change: p.His126Asp; replaces histidine 126 with aspartic acid.
Molecular consequence: missense variant.
Genome position (GRCh38, 1-based): chr3:49,722,998, G>C on the plus strand (C>G on the coding strand, the complement: GMPPB is on the minus strand). VCF-style: chr3-49722998-G-C. GRCh37 (hg19) VCF-style: chr3-49760431-G-C.
Other names: c.376C>G, p.His126Asp (NM_013334.4); short protein forms H126D.
Identifiers: ClinVar variation 260285 (VCV000260285.15), dbSNP rs34345884, ClinGen allele CA2405592.

ClinVar aggregate classification (germline): Benign/Likely benign. Review status: criteria provided, multiple submitters, no conflicts (2 of 4 stars). 8 submissions from 8 submitters: Benign (5); Likely benign (1). 2 of the submissions do not count toward it. Last evaluated 2026-02-02.

Conditions:
Muscular dystrophy-dystroglycanopathy (congenital with impaired intellectual development), type B, 14. Also called: MUSCULAR DYSTROPHY, CONGENITAL, GMPPB-RELATED; Muscular dystrophy-dystroglycanopathy (congenital with intellectual disability), type B14; Congenital muscular dystrophy-dystroglycanopathy with mental retardation, type B14. Identifiers: MedGen C3809221, MONDO:0014141, OMIM 615351.
Autosomal recessive limb-girdle muscular dystrophy type 2T. Also called: MUSCULAR DYSTROPHY-DYSTROGLYCANOPATHY, LIMB-GIRDLE, GMPPB-RELATED; MUSCULAR DYSTROPHY, LIMB-GIRDLE, TYPE 2T; Muscular dystrophy-dystroglycanopathy (limb-girdle), type c, 14; Limb-girdle muscular dystrophy-dystroglycanopathy, type C14. Identifiers: Orphanet 363623, MedGen C4518000, MONDO:0014142, OMIM 615352.
Muscular dystrophy-dystroglycanopathy (congenital with brain and eye anomalies), type A14. Also called: WALKER-WARBURG SYNDROME OR MUSCLE-EYE-BRAIN DISEASE, GMPPB-RELATED; Muscular dystrophy-dystroglycanopathy (congenital with brain and eye anomalies), type a, 14; Congenital Muscular Dystrophy-Dystroglycanopathy with Brain and Eye Anomalies Type A 14; Congenital muscular dystrophy-dystroglycanopathy with brain and eye anomalies, type A14. Identifiers: Orphanet 588, MedGen C3809216, MONDO:0014140, OMIM 615350.

Allele frequency attached by ClinVar (database versions not stated): 1000 Genomes Project 30x 0.00796; 1000 Genomes Project 0.00879; TOPMed 0.01398; gnomAD 0.01432 and 0.01439; ExAC 0.01549; ESP Exome Variant Server 0.01553.

Submissions (8):

Labcorp Genetics (formerly Invitae), Labcorp
Classification: Benign for Autosomal recessive limb-girdle muscular dystrophy type 2T; Muscular dystrophy-dystroglycanopathy (congenital with brain and eye anomalies), type A14; Muscular dystrophy-dystroglycanopathy (congenital with impaired intellectual development), type B, 14. Last evaluated: 2026-02-02. Review status: criteria provided, single submitter. Criteria: Invitae Variant Classification Sherloc (09022015). Collection method: clinical testing. Allele origin: germline.

Blueprint Genetics
Classification: Likely benign. Last evaluated: 2024-11-25. Review status: criteria provided, single submitter. Criteria: ACMG Guidelines, 2015. Collection method: clinical testing. Allele origin: germline.

Mayo Clinic Laboratories, Mayo Clinic
Classification: Benign. Last evaluated: 2018-08-21. Review status: criteria provided, single submitter. Criteria: ACMG Guidelines, 2015. Collection method: clinical testing. Allele origin: germline. Observed: 34 variant alleles.

GeneDx
Classification: Benign. Last evaluated: 2016-01-15. Review status: criteria provided, single submitter. Criteria: GeneDx Variant Classification (06012015). Collection method: clinical testing. Allele origin: germline. Affected: yes.
Comment: This variant is considered likely benign or benign based on one or more of the following criteria: it is a conservative change, it occurs at a poorly conserved position in the protein, it is predicted to be benign by multiple in silico algorithms, and/or has population frequency not consistent with disease.

Breakthrough Genomics
Classification: Benign. Review status: criteria provided, single submitter. Criteria: ACMG Guidelines, 2015. Collection method: not provided. Allele origin: germline. Inheritance: Autosomal recessive inheritance. Affected: yes.

PreventionGenetics, part of Exact Sciences
Classification: Benign. Review status: criteria provided, single submitter. Criteria: ACMG Guidelines, 2015. Collection method: clinical testing. Allele origin: germline.

Clinical Genetics, Academic Medical Center
Classification: Likely benign. Review status: no assertion criteria provided. Collection method: clinical testing. Allele origin: germline. Affected: yes. Study: VKGL Data-share Consensus. Not counted in ClinVar's aggregate classification.

Laboratory of Diagnostic Genome Analysis, Leiden University Medical Center (LUMC)
Classification: Likely benign. Review status: no assertion criteria provided. Collection method: clinical testing. Allele origin: germline. Affected: yes. Study: VKGL Data-share Consensus. Not counted in ClinVar's aggregate classification.